The following is an entry in ClinVar:

ClinVar aggregate classification (germline): Uncertain significance (1 of 4 stars; one submission).

Allele frequency attached by ClinVar (database versions not stated): TOPMed below 0.00001; gnomAD 0.00001; gnomAD exomes 0.00001.
gnomAD v4.1: 16 of 1,613,298 alleles (0.00099%); highest among the groups gnomAD compares: Non-Finnish European, 0.0013%; no homozygotes.

Submission:

GeneDx
Classification: Uncertain significance. Last evaluated: 2020-09-08. Review status: criteria provided, single submitter. Criteria: GeneDx Variant Classification Process June 2021. Collection method: clinical testing. Allele origin: germline. Affected: yes.
Comment: In silico analysis, which includes protein predictors and evolutionary conservation, supports that this variant does not alter protein structure/function; Has not been previously published as pathogenic or benign to our knowledge

NM_178857.6(RP1L1):c.5089A>G (p.Arg1697Gly)

Gene: RP1L1 (RP1 like 1). Cytogenetic location: 8p23.1.
Variant type: single nucleotide variant.
Coding change: c.5089A>G on transcript NM_178857.6 (MANE Select); coding-DNA position 5089, A replaced by G.
Protein change: p.Arg1697Gly; replaces arginine 1697 with glycine.
Molecular consequence: missense variant.
Genome position (GRCh38, 1-based): chr8:10,609,009, T>C on the plus strand (A>G on the coding strand, the complement: RP1L1 is on the minus strand). VCF-style: chr8-10609009-T-C. GRCh37 (hg19) VCF-style: chr8-10466519-T-C.
Other names: short protein forms R1697G.
Identifiers: ClinVar variation 1310764 (VCV001310764.2), dbSNP rs1229768696, ClinGen allele CA370282310.